The following is an entry in ClinVar:

ClinVar aggregate classification (germline): Uncertain significance (1 of 4 stars; one submission).

Conditions:
Dyskeratosis congenita. Identifiers: Orphanet 1775, MedGen C0265965, MONDO:0015780.

gnomAD v4.1: 1 of 1,577,432 alleles (0.000063%); highest among the groups gnomAD compares: Non-Finnish European, 0.000086%; no homozygotes.

Submission:

Ambry Genetics
Classification: Uncertain significance for Dyskeratosis congenita. Last evaluated: 2025-03-05. Review status: criteria provided, single submitter. Criteria: Ambry Variant Classification Scheme 2023. Collection method: clinical testing. Allele origin: germline.
Comment: The p.A180V variant (also known as c.539C>T), located in coding exon 2 of the TERT gene, results from a C to T substitution at nucleotide position 539. The alanine at codon 180 is replaced by valine, an amino acid with similar properties. This amino acid position is conserved. In addition, the in silico prediction for this alteration is inconclusive. Based on the available evidence, the clinical significance of this variant remains unclear.

NM_198253.3(TERT):c.539C>T (p.Ala180Val)

Gene: TERT (telomerase reverse transcriptase; minus strand). Cytogenetic location: 5p15.33.
Variant type: single nucleotide variant.
Coding change: c.539C>T on transcript NM_198253.3 (MANE Select); coding-DNA position 539, C replaced by T.
Protein change: p.Ala180Val; replaces alanine 180 with valine.
Molecular consequence: missense variant. On other transcripts: non-coding transcript variant (2).
Genome position (GRCh38, 1-based): chr5:1,294,347, G>A on the plus strand (C>T on the coding strand, the complement: TERT is on the minus strand). VCF-style: chr5-1294347-G-A. GRCh37 (hg19) VCF-style: chr5-1294462-G-A.
Other names: c.539C>T, p.Ala180Val (NM_001193376.3); short protein forms A180V.
Identifiers: ClinVar variation 3805802 (VCV003805802.1).
Genomic context (GRCh38, chr5:1,294,347, plus strand): 5'-TCGCATCCCAGACGCCTTCGGGGTCCACTAGCGTGTGGCGGGGGCCGGGCCTGAGTGGCA[G>A]CGCCGAGCTGGTACAGCGGCGGCCCGCACACCTGGTAGGCGCAGCTGGGAGCCACCAGCA-3'
Protein context (NP_937983.2, residues 170-190): VCGPPLYQLG[Ala180Val]ATQARPPPHA